The following is an entry in ClinVar:

NM_054012.4(ASS1):c.839-2A>T

Gene: ASS1 (argininosuccinate synthase 1; plus strand). Cytogenetic location: 9q34.11.
Variant type: single nucleotide variant.
Coding change: c.839-2A>T on transcript NM_054012.4 (MANE Select); the canonical splice acceptor site of the intron before coding-DNA position 839, A replaced by T.
Molecular consequence: splice acceptor variant.
Genome position (GRCh38, 1-based): chr9:130,489,331, A>T. VCF-style: chr9-130489331-A-T. GRCh37 (hg19) VCF-style: chr9-133364718-A-T.
Other names: c.839-2A>T (NM_000050.4).
Identifiers: ClinVar variation 1068237 (VCV001068237.9), dbSNP rs2118864015, ClinGen allele CA375230437.
Genomic context (GRCh38, chr9:130,489,331, plus strand): 5'-GTTTGGGTTTCATGCGTTTCTCTCTTTTTTCTCCTTTTCCCCCTGCCTGGAAAAATGGCT[A>T]GGTATCTACGAGACCCCAGCAGGCACCATCCTTTACCATGCTCATTTAGACATCGAGGCC-3'

ClinVar aggregate classification (germline): Likely pathogenic. Review status: criteria provided, multiple submitters, no conflicts (2 of 4 stars). 2 submissions from 2 submitters: Likely pathogenic (2). Last evaluated 2024-08-28.

Conditions:
Citrullinemia. Identifiers: Orphanet 187, MedGen C0175683, MONDO:0015991.
Citrullinemia type I (CTNL1). Also called: ASS DEFICIENCY; argininosuccinate synthetase deficiency. Identifiers: Orphanet 247525, MedGen C4721769, MONDO:0008988, OMIM 215700.

gnomAD v4.1: 1 of 1,613,170 alleles (0.000062%); no homozygotes.

Submissions (2):

Natera, Inc.
Classification: Likely pathogenic for Citrullinemia type I. Last evaluated: 2024-08-28. Review status: criteria provided, single submitter. Criteria: Natera Variant Classification Schema (03/2026). Collection method: clinical testing. Allele origin: germline.
Comment: The c.839-2A>T variant in ASS1 is a canonical splice acceptor site variant predicted to affect pre-mRNA splicing, which may result in an abnormal transcript and altered protein product. This variant is expected to result in nonsense mediated decay, truncation, or a dysfunctional protein product. This variant is rare in the general population with a frequency below the threshold expected for the associated phenotype(s). Given the available evidence, this variant is classified as Likely Pathogenic.

Labcorp Genetics (formerly Invitae), Labcorp
Classification: Likely pathogenic for Citrullinemia. Last evaluated: 2023-12-10. Review status: criteria provided, single submitter. Criteria: Invitae Variant Classification Sherloc (09022015). Collection method: clinical testing. Allele origin: germline.
Comment: This sequence change affects an acceptor splice site in intron 12 of the ASS1 gene. It is expected to disrupt RNA splicing. Variants that disrupt the donor or acceptor splice site typically lead to a loss of protein function (PMID: 16199547), and loss-of-function variants in ASS1 are known to be pathogenic (PMID: 18473344, 19006241). This variant is not present in population databases (gnomAD no frequency). This variant has not been reported in the literature in individuals affected with ASS1-related conditions. ClinVar contains an entry for this variant (Variation ID: 1068237). Algorithms developed to predict the effect of sequence changes on RNA splicing suggest that this variant may disrupt the consensus splice site. In summary, the currently available evidence indicates that the variant is pathogenic, but additional data are needed to prove that conclusively. Therefore, this variant has been classified as Likely Pathogenic.

Literature cited by the submitters: PubMed 16199547 (cited by Labcorp Genetics (formerly Invitae), Labcorp); PubMed 18473344 (cited by Labcorp Genetics (formerly Invitae), Labcorp); PubMed 19006241 (cited by Labcorp Genetics (formerly Invitae), Labcorp).